The following is an entry in ClinVar:

NM_020778.5(ALPK3):c.4051G>A (p.Glu1351Lys)

Gene: ALPK3 (alpha kinase 3; plus strand). Cytogenetic location: 15q25.3.
Variant type: single nucleotide variant.
Coding change: c.4051G>A on transcript NM_020778.5 (MANE Select); coding-DNA position 4051, G replaced by A.
Protein change: p.Glu1351Lys; replaces glutamic acid 1351 with lysine.
Molecular consequence: missense variant.
Genome position (GRCh38, 1-based): chr15:84,859,861, G>A. VCF-style: chr15-84859861-G-A. GRCh37 (hg19) VCF-style: chr15-85403092-G-A.
Other names: short protein forms E1351K.
Identifiers: ClinVar variation 2189098 (VCV002189098.4), dbSNP rs1370350518, ClinGen allele CA393361964.

ClinVar aggregate classification (germline): Uncertain significance (1 of 4 stars; one submission).

Allele frequency attached by ClinVar (database versions not stated): gnomAD exomes below 0.00001; TOPMed below 0.00001; gnomAD 0.00001.
gnomAD v4.1: 6 of 1,613,930 alleles (0.00037%); highest among the groups gnomAD compares: Non-Finnish European, 0.00051%; no homozygotes.

Submission:

Labcorp Genetics (formerly Invitae), Labcorp
Classification: Uncertain significance. Last evaluated: 2024-11-18. Review status: criteria provided, single submitter. Criteria: Invitae Variant Classification Sherloc (09022015). Collection method: clinical testing. Allele origin: germline.
Comment: This sequence change replaces glutamic acid, which is acidic and polar, with lysine, which is basic and polar, at codon 1553 of the ALPK3 protein (p.Glu1553Lys). This variant is not present in population databases (gnomAD no frequency). This variant has not been reported in the literature in individuals affected with ALPK3-related conditions. ClinVar contains an entry for this variant (Variation ID: 2189098). Invitae Evidence Modeling of protein sequence and biophysical properties (such as structural, functional, and spatial information, amino acid conservation, physicochemical variation, residue mobility, and thermodynamic stability) indicates that this missense variant is not expected to disrupt ALPK3 protein function with a negative predictive value of 80%. In summary, the available evidence is currently insufficient to determine the role of this variant in disease. Therefore, it has been classified as a Variant of Uncertain Significance.